The following is an entry in ClinVar:

ClinVar aggregate classification (germline): Uncertain significance (1 of 4 stars; one submission).

Conditions:
Developmental and epileptic encephalopathy, 12 (DEE12). Identifiers: MedGen C3150988, MONDO:0013389, OMIM 613722.

Submission:

Labcorp Genetics (formerly Invitae), Labcorp
Classification: Uncertain significance for Developmental and epileptic encephalopathy, 12. Last evaluated: 2025-09-08. Review status: criteria provided, single submitter. Criteria: Invitae Variant Classification Sherloc (09022015). Collection method: clinical testing. Allele origin: germline.
Comment: This sequence change replaces isoleucine, which is neutral and non-polar, with phenylalanine, which is neutral and non-polar, at codon 774 of the PLCB1 protein (p.Ile774Phe). This variant is not present in population databases (gnomAD no frequency). This variant has not been reported in the literature in individuals affected with PLCB1-related conditions. ClinVar contains an entry for this variant (Variation ID: 1994349). Invitae Evidence Modeling of protein sequence and biophysical properties (such as structural, functional, and spatial information, amino acid conservation, physicochemical variation, residue mobility, and thermodynamic stability) indicates that this missense variant is expected to disrupt PLCB1 protein function with a positive predictive value of 80%. In summary, the available evidence is currently insufficient to determine the role of this variant in disease. Therefore, it has been classified as a Variant of Uncertain Significance.

NM_015192.4(PLCB1):c.2320A>T (p.Ile774Phe)

Gene: PLCB1 (phospholipase C beta 1; plus strand). Cytogenetic location: 20p12.3.
Variant type: single nucleotide variant.
Coding change: c.2320A>T on transcript NM_015192.4 (MANE Select); coding-DNA position 2320, A replaced by T.
Protein change: p.Ile774Phe; replaces isoleucine 774 with phenylalanine.
Molecular consequence: missense variant.
Genome position (GRCh38, 1-based): chr20:8,740,355, A>T. VCF-style: chr20-8740355-A-T. GRCh37 (hg19) VCF-style: chr20-8721002-A-T.
Other names: c.2320A>T, p.Ile774Phe (NM_182734.3); short protein forms I774F.
Identifiers: ClinVar variation 1994349 (VCV001994349.4), dbSNP rs932768950, ClinGen allele CA408207866.
Genomic context (GRCh38, chr20:8,740,355, plus strand): 5'-AACATTGGAAAGGAAATATGTGCTACACAGCATTATTCTCACCTTCCAGGCTATCACTAT[A>T]TCTGTCTAAGGAATGAAAGGAACCAGCCTCTGACGCTGCCTGCTGTCTTTGTCTACATAG-3'
Protein context (NP_056007.1, residues 764-784): VQAIRPGYHY[Ile774Phe]CLRNERNQPL